The following is an entry in ClinVar:

NM_000365.6(TPI1):c.*519T>C

Gene: TPI1 (triosephosphate isomerase 1; plus strand). Cytogenetic location: 12p13.31.
Variant type: single nucleotide variant.
Coding change: c.*519T>C on transcript NM_000365.6 (MANE Select); 519 bases downstream of the stop codon, T replaced by C.
Molecular consequence: 3 prime UTR variant.
Genome position (GRCh38, 1-based): chr12:6,870,902, T>C. VCF-style: chr12-6870902-T-C. GRCh37 (hg19) VCF-style: chr12-6980066-T-C.
Other names: c.*519T>C (NM_001159287.1, NM_001258026.2).
Identifiers: ClinVar variation 881465 (VCV000881465.4), dbSNP rs377186570, ClinGen allele CA6419133.

ClinVar aggregate classification (germline): Likely benign (1 of 4 stars; one submission).

Conditions:
Triosephosphate isomerase deficiency (TPID). Also called: Triose phosphate isomerase deficiency. Identifiers: Orphanet 868, MedGen C1860808, MONDO:0014221, OMIM 615512.

Allele frequency attached by ClinVar (database versions not stated): ExAC below 0.00001; TOPMed 0.00007; gnomAD exomes 0.00008; 1000 Genomes Project 30x 0.00141; 1000 Genomes Project 0.00200.
gnomAD v4.1: 231 of 620,728 alleles (0.037%); highest among the groups gnomAD compares: East Asian, 0.74%; 3 homozygotes.

Submission:

Illumina Laboratory Services, Illumina
Classification: Likely benign for Triosephosphate isomerase deficiency. Last evaluated: 2018-01-13. Review status: criteria provided, single submitter. Criteria: ICSL Variant Classification Criteria 13 December 2019. Collection method: clinical testing. Allele origin: germline.
Comment: This variant was observed in the ICSL laboratory as part of a predisposition screen in an ostensibly healthy population. It had not been previously curated by ICSL or reported in the Human Gene Mutation Database (HGMD: prior to June 1st, 2018), and was therefore a candidate for classification through an automated scoring system. Utilizing variant allele frequency, disease prevalence and penetrance estimates, and inheritance mode, an automated score was calculated to assess if this variant is too frequent to cause the disease. Based on the score and internal cut-off values, a variant classified as likely benign is not then subjected to further curation. The score for this variant resulted in a classification of likely benign for this disease.